The following is an entry in ClinVar:

ClinVar aggregate classification (germline): Uncertain significance (1 of 4 stars; one submission).

Conditions:
Neutropenia, severe congenital, 1, autosomal dominant. Identifiers: MedGen C1859966, MONDO:0042490, OMIM 202700.
Cyclical neutropenia. Also called: Cyclic hematopoiesis; Cyclic Neutropenia. Identifiers: Orphanet 2686, MedGen C0221023, MONDO:0008090, OMIM 162800, HP:0040289. Disease mechanism: loss of function.

Submission:

Labcorp Genetics (formerly Invitae), Labcorp
Classification: Uncertain significance for Neutropenia, severe congenital, 1, autosomal dominant; Cyclical neutropenia. Last evaluated: 2023-02-18. Review status: criteria provided, single submitter. Criteria: Invitae Variant Classification Sherloc (09022015). Collection method: clinical testing. Allele origin: germline.
Comment: In summary, the available evidence is currently insufficient to determine the role of this variant in disease. Therefore, it has been classified as a Variant of Uncertain Significance. Algorithms developed to predict the effect of missense changes on protein structure and function output the following: SIFT: "Not Available"; PolyPhen-2: "Benign"; Align-GVGD: "Not Available". The arginine amino acid residue is found in multiple mammalian species, which suggests that this missense change does not adversely affect protein function. This variant has not been reported in the literature in individuals affected with ELANE-related conditions. This variant is not present in population databases (gnomAD no frequency). This sequence change replaces glutamine, which is neutral and polar, with arginine, which is basic and polar, at codon 134 of the ELANE protein (p.Gln134Arg).

NM_001972.4(ELANE):c.401A>G (p.Gln134Arg)

Gene: ELANE (elastase, neutrophil expressed; plus strand). Cytogenetic location: 19p13.3.
Variant type: single nucleotide variant.
Coding change: c.401A>G on transcript NM_001972.4 (MANE Select); coding-DNA position 401, A replaced by G.
Protein change: p.Gln134Arg; replaces glutamine 134 with arginine.
Molecular consequence: missense variant.
Genome position (GRCh38, 1-based): chr19:855,598, A>G. VCF-style: chr19-855598-A-G. GRCh37 (hg19) VCF-style: chr19-855598-A-G.
Other names: short protein forms Q134R.
Identifiers: ClinVar variation 2937914 (VCV002937914.3), dbSNP rs2512168077, ClinGen allele CA402917873.